The following is an entry in ClinVar:

ClinVar aggregate classification (germline): Uncertain significance. Review status: criteria provided, multiple submitters, no conflicts (2 of 4 stars). 2 submissions from 2 submitters: Uncertain significance (2). Last evaluated 2025-04-14.

Conditions:
Inborn genetic diseases. Identifiers: MedGen C0950123, MeSH D030342.
Ulnar-mammary syndrome (UMS). Also called: Ulnar-mammary syndrome of Pallister; PALLISTER ULNAR-MAMMARY SYNDROME; SCHINZEL SYNDROME. Identifiers: Orphanet 3138, MedGen C1866994, MONDO:0008411, OMIM 181450.

Allele frequency attached by ClinVar (database versions not stated): TOPMed below 0.00001; gnomAD 0.00001.

Submissions (2):

Ambry Genetics
Classification: Uncertain significance for Inborn genetic diseases. Last evaluated: 2025-04-14. Review status: criteria provided, single submitter. Criteria: Ambry Variant Classification Scheme 2023. Collection method: clinical testing. Allele origin: germline.

Labcorp Genetics (formerly Invitae), Labcorp
Classification: Uncertain significance for Ulnar-mammary syndrome. Last evaluated: 2024-10-08. Review status: criteria provided, single submitter. Criteria: Invitae Variant Classification Sherloc (09022015). Collection method: clinical testing. Allele origin: germline.
Comment: This sequence change replaces alanine, which is neutral and non-polar, with valine, which is neutral and non-polar, at codon 515 of the TBX3 protein (p.Ala515Val). This variant is not present in population databases (gnomAD no frequency). This variant has not been reported in the literature in individuals affected with TBX3-related conditions. ClinVar contains an entry for this variant (Variation ID: 2103704). An algorithm developed to predict the effect of missense changes on protein structure and function (PolyPhen-2) suggests that this variant is likely to be disruptive. In summary, the available evidence is currently insufficient to determine the role of this variant in disease. Therefore, it has been classified as a Variant of Uncertain Significance.

NM_005996.4(TBX3):c.1544C>T (p.Ala515Val)

Gene: TBX3 (T-box transcription factor 3; minus strand). Cytogenetic location: 12q24.21.
Variant type: single nucleotide variant.
Coding change: c.1544C>T on transcript NM_005996.4 (MANE Select); coding-DNA position 1544, C replaced by T.
Protein change: p.Ala515Val; replaces alanine 515 with valine.
Molecular consequence: missense variant.
Genome position (GRCh38, 1-based): chr12:114,674,331, G>A on the plus strand (C>T on the coding strand, the complement: TBX3 is on the minus strand). VCF-style: chr12-114674331-G-A. GRCh37 (hg19) VCF-style: chr12-115112136-G-A.
Other names: c.1604C>T, p.Ala535Val (NM_016569.4); c.1544C>T (NM_005996.3); short protein forms A515V, A535V.
Identifiers: ClinVar variation 2103704 (VCV002103704.5), dbSNP rs866685357, ClinGen allele CA244143377.
Genomic context (GRCh38, chr12:114,674,331, plus strand): 5'-CCCGAGACACCGGTGGAGGCCCCAGAAACCGTGGCCAGGAGGGGACCCATGCCAGCGGCC[G>A]CCATGCTGGAGAAGGCGCCCCCCATGGCAAACTGGCTGGGGTGCAGGAAGAGCGGGTGCC-3'
Protein context (NP_005987.3, residues 505-525): FAMGGAFSSM[Ala515Val]AAGMGPLLAT